The following is an entry in ClinVar:

NM_020458.4(TTC7A):c.1684C>T (p.Arg562Cys)

Gene: TTC7A (tetratricopeptide repeat domain 7A; plus strand). Cytogenetic location: 2p21.
Variant type: single nucleotide variant.
Coding change: c.1684C>T on transcript NM_020458.4 (MANE Select); coding-DNA position 1684, C replaced by T.
Protein change: p.Arg562Cys; replaces arginine 562 with cysteine.
Molecular consequence: missense variant.
Genome position (GRCh38, 1-based): chr2:47,029,266, C>T. VCF-style: chr2-47029266-C-T. GRCh37 (hg19) VCF-style: chr2-47256405-C-T.
Other names: c.1684C>T, p.Arg562Cys (LRG_1323t1, NM_001288951.2); c.1582C>T, p.Arg528Cys (NM_001288953.2); c.622C>T, p.Arg208Cys (NM_001288955.2); short protein forms R528C, R562C, R208C.
Identifiers: ClinVar variation 567294 (VCV000567294.8), dbSNP rs145006355, ClinGen allele CA1647823.

ClinVar aggregate classification (germline): Uncertain significance (1 of 4 stars; one submission).

Conditions:
Multiple gastrointestinal atresias. Also called: FAMILIAL INTESTINAL POLYATRESIA SYNDROME; Multiple intestinal atresia. Identifiers: Orphanet 2300, MedGen C0220744, MONDO:0009465.

Allele frequency attached by ClinVar (database versions not stated): gnomAD exomes 0.00005; ExAC 0.00006; gnomAD 0.00007 and 0.00009; TOPMed 0.00009; ESP Exome Variant Server 0.00015; 1000 Genomes Project 30x 0.00016.
gnomAD v4.1: 44 of 1,613,990 alleles (0.0027%); highest among the groups gnomAD compares: African/African-American, 0.02%; no homozygotes.

Submission:

Labcorp Genetics (formerly Invitae), Labcorp
Classification: Uncertain significance for Multiple gastrointestinal atresias. Last evaluated: 2021-08-26. Review status: criteria provided, single submitter. Criteria: Invitae Variant Classification Sherloc (09022015). Collection method: clinical testing. Allele origin: germline.
Comment: This sequence change replaces arginine with cysteine at codon 562 of the TTC7A protein (p.Arg562Cys). The arginine residue is weakly conserved and there is a large physicochemical difference between arginine and cysteine. This variant is present in population databases (rs145006355, ExAC 0.03%). This variant has not been reported in the literature in individuals affected with TTC7A-related conditions. Algorithms developed to predict the effect of missense changes on protein structure and function output the following: SIFT: "Tolerated"; PolyPhen-2: "Benign"; Align-GVGD: "Class C0". The cysteine amino acid residue is found in multiple mammalian species, which suggests that this missense change does not adversely affect protein function. In summary, the available evidence is currently insufficient to determine the role of this variant in disease. Therefore, it has been classified as a Variant of Uncertain Significance.